The following is an entry in ClinVar:

ClinVar aggregate classification (germline): Uncertain significance. Review status: criteria provided, multiple submitters, no conflicts (2 of 4 stars). 2 submissions from 2 submitters: Uncertain significance (2). Last evaluated 2024-10-12.

Conditions:
Inborn genetic diseases. Identifiers: MedGen C0950123, MeSH D030342.

Allele frequency attached by ClinVar (database versions not stated): gnomAD exomes below 0.00001.

Submissions (2):

Ambry Genetics
Classification: Uncertain significance for Inborn genetic diseases. Last evaluated: 2024-10-12. Review status: criteria provided, single submitter. Criteria: Ambry Variant Classification Scheme 2023. Collection method: clinical testing. Allele origin: germline.

Labcorp Genetics (formerly Invitae), Labcorp
Classification: Uncertain significance. Last evaluated: 2022-06-11. Review status: criteria provided, single submitter. Criteria: Invitae Variant Classification Sherloc (09022015). Collection method: clinical testing. Allele origin: germline.
Comment: This sequence change replaces cysteine, which is neutral and slightly polar, with glycine, which is neutral and non-polar, at codon 209 of the PROSC protein (p.Cys209Gly). This variant is not present in population databases (gnomAD no frequency). This variant has not been reported in the literature in individuals affected with PROSC-related conditions. Algorithms developed to predict the effect of missense changes on protein structure and function (SIFT, PolyPhen-2, Align-GVGD) all suggest that this variant is likely to be tolerated. In summary, the available evidence is currently insufficient to determine the role of this variant in disease. Therefore, it has been classified as a Variant of Uncertain Significance.

NM_007198.4(PLPBP):c.625T>G (p.Cys209Gly)

Gene: PLPBP (pyridoxal phosphate binding protein; plus strand). Cytogenetic location: 8p11.23.
Variant type: single nucleotide variant.
Coding change: c.625T>G on transcript NM_007198.4 (MANE Select); coding-DNA position 625, T replaced by G.
Protein change: p.Cys209Gly; replaces cysteine 209 with glycine.
Molecular consequence: missense variant.
Genome position (GRCh38, 1-based): chr8:37,775,945, T>G. VCF-style: chr8-37775945-T-G. GRCh37 (hg19) VCF-style: chr8-37633463-T-G.
Other names: c.655T>G, p.Cys219Gly (NM_001349346.2); c.619T>G, p.Cys207Gly (NM_001349347.2); c.469T>G, p.Cys157Gly (NM_001349348.2); c.625T>G (NM_007198.3); short protein forms C207G, C219G, C209G, C157G.
Identifiers: ClinVar variation 1939070 (VCV001939070.3), dbSNP rs2487393649, ClinGen allele CA370668674.
Genomic context (GRCh38, chr8:37,775,945, plus strand): 5'-AGGAGTAAAATAGGTGTCATCTCTTTCTGTCAGCTGTTATTGTCCCTCCGGGAGGAGCTG[T>G]GTAAAAAGCTGAACATCCCTGCTGACCAGGTTGAGCTGAGCATGGGCATGTCCGCGGATT-3'
Protein context (NP_009129.1, residues 199-219): QLLLSLREEL[Cys209Gly]KKLNIPADQV